The following is an entry in ClinVar:

NM_017946.4(FKBP14):c.568A>T (p.Lys190Ter)

Genes: FKBP14 (FKBP prolyl isomerase 14; minus strand), FKBP14-AS1 (FKBP14 antisense RNA 1; plus strand). Cytogenetic location: 7p14.3.
Variant type: single nucleotide variant.
Coding change: c.568A>T on transcript NM_017946.4 (MANE Select); coding-DNA position 568, A replaced by T.
Protein change: p.Lys190Ter; replaces lysine 190 with a stop codon.
Molecular consequence: nonsense. On other transcripts: non-coding transcript variant (2).
Genome position (GRCh38, 1-based): chr7:30,014,803, T>A on the plus strand (A>T on the coding strand, the complement: FKBP14 is on the minus strand). VCF-style: chr7-30014803-T-A. GRCh37 (hg19) VCF-style: chr7-30054419-T-A.
Other names: short protein forms K190*.
Identifiers: ClinVar variation 1302821 (VCV001302821.2), dbSNP rs141843195, ClinGen allele CA367116267.

ClinVar aggregate classification (germline): Uncertain significance (1 of 4 stars; one submission).

Submission:

GeneDx
Classification: Uncertain significance. Last evaluated: 2020-06-23. Review status: criteria provided, single submitter. Criteria: GeneDx Variant Classification Process June 2021. Collection method: clinical testing. Allele origin: germline. Affected: yes.
Comment: Not observed in large population cohorts (Lek et al., 2016); Nonsense variant predicted to result in protein truncation in a gene for which loss-of-function is not a known mechanism of disease; Has not been previously published as pathogenic or benign to our knowledge